The following is an entry in ClinVar:

ClinVar aggregate classification (germline): Uncertain significance (1 of 4 stars; one submission).

Allele frequency attached by ClinVar (database versions not stated): ExAC 0.00001.
gnomAD v4.1: 8 of 1,614,006 alleles (0.0005%); highest among the groups gnomAD compares: South Asian, 0.0088%; no homozygotes.

Submission:

Labcorp Genetics (formerly Invitae), Labcorp
Classification: Uncertain significance. Last evaluated: 2023-06-16. Review status: criteria provided, single submitter. Criteria: Invitae Variant Classification Sherloc (09022015). Collection method: clinical testing. Allele origin: germline.
Comment: In summary, the available evidence is currently insufficient to determine the role of this variant in disease. Therefore, it has been classified as a Variant of Uncertain Significance. An algorithm developed to predict the effect of missense changes on protein structure and function (PolyPhen-2) suggests that this variant is likely to be disruptive. This variant has not been reported in the literature in individuals affected with ERBB2-related conditions. This variant is present in population databases (rs779469693, gnomAD 0.003%). This sequence change replaces proline, which is neutral and non-polar, with threonine, which is neutral and polar, at codon 1199 of the ERBB2 protein (p.Pro1199Thr).

NM_004448.4(ERBB2):c.3595C>A (p.Pro1199Thr)

Gene: ERBB2 (erb-b2 receptor tyrosine kinase 2; plus strand). Cytogenetic location: 17q12.
Variant type: single nucleotide variant.
Coding change: c.3595C>A on transcript NM_004448.4 (MANE Select); coding-DNA position 3595, C replaced by A.
Protein change: p.Pro1199Thr; replaces proline 1199 with threonine.
Molecular consequence: missense variant. On other transcripts: 3 prime UTR variant (2), non-coding transcript variant (1).
Genome position (GRCh38, 1-based): chr17:39,727,871, C>A. VCF-style: chr17-39727871-C-A. GRCh37 (hg19) VCF-style: chr17-37884124-C-A.
Other names: c.3505C>A, p.Pro1169Thr (NM_001005862.3, NM_001382782.1, NM_001382783.1); c.3550C>A, p.Pro1184Thr (NM_001289936.2); c.*174C>A (NM_001289937.2, NM_001382803.1); c.3712C>A, p.Pro1238Thr (NM_001382784.1); c.3697C>A, p.Pro1233Thr (NM_001382785.1); c.3676C>A, p.Pro1226Thr (NM_001382786.1); c.3496C>A, p.Pro1166Thr (NM_001382797.1); c.3439C>A, p.Pro1147Thr (NM_001382798.1); and 16 more; short protein forms P1147T, P1169T, P1196T, P1199T, P882T, P1113T, P1137T, P1139T.
Identifiers: ClinVar variation 2960027 (VCV002960027.3), dbSNP rs779469693, ClinGen allele CA8534589.